The following is an entry in ClinVar:

NM_000019.4(ACAT1):c.1189C>A (p.His397Asn)

Gene: ACAT1 (acetyl-CoA acetyltransferase 1; plus strand). Cytogenetic location: 11q22.3.
Variant type: single nucleotide variant.
Coding change: c.1189C>A on transcript NM_000019.4 (MANE Select); coding-DNA position 1189, C replaced by A.
Protein change: p.His397Asn; replaces histidine 397 with asparagine.
Molecular consequence: missense variant. On other transcripts: non-coding transcript variant (2).
Genome position (GRCh38, 1-based): chr11:108,147,295, C>A. VCF-style: chr11-108147295-C-A. GRCh37 (hg19) VCF-style: chr11-108018022-C-A.
Other names: c.1210C>A, p.His404Asn (NM_001386677.1); c.874C>A, p.His292Asn (NM_001386678.1); c.892C>A, p.His298Asn (NM_001386679.1); c.919C>A, p.His307Asn (NM_001386681.1, NM_001386682.1, NM_001386685.1 and 6 more transcripts); short protein forms H292N, H404N, H307N, H397N, H298N.
Identifiers: ClinVar variation 1426396 (VCV001426396.8), dbSNP rs746332363, ClinGen allele CA6263401.

ClinVar aggregate classification (germline): Pathogenic (1 of 4 stars; one submission).

Conditions:
Deficiency of acetyl-CoA acetyltransferase. Also called: 3-KETOTHIOLASE DEFICIENCY; 3-OXOTHIOLASE DEFICIENCY; Beta-ketothiolase deficiency; MITOCHONDRIAL ACETOACETYL-CoA THIOLASE DEFICIENCY. Identifiers: Orphanet 134, MedGen C1536500, MONDO:0008760, OMIM 203750. Disease mechanism: loss of function.

Allele frequency attached by ClinVar (database versions not stated): gnomAD exomes 0.00001; ExAC 0.00002.
gnomAD v4.1: 10 of 1,613,792 alleles (0.00062%); highest among the groups gnomAD compares: South Asian, 0.011%; no homozygotes.

Submission:

Labcorp Genetics (formerly Invitae), Labcorp
Classification: Pathogenic for Deficiency of acetyl-CoA acetyltransferase. Last evaluated: 2024-08-12. Review status: criteria provided, single submitter. Criteria: Invitae Variant Classification Sherloc (09022015). Collection method: clinical testing. Allele origin: germline.
Comment: This sequence change replaces histidine, which is basic and polar, with asparagine, which is neutral and polar, at codon 397 of the ACAT1 protein (p.His397Asn). This variant is present in population databases (rs746332363, gnomAD 0.01%). This missense change has been observed in individual(s) with beta-ketothiolase deficiency (Invitae). In at least one individual the data is consistent with being in trans (on the opposite chromosome) from a pathogenic variant. ClinVar contains an entry for this variant (Variation ID: 1426396). Advanced modeling of protein sequence and biophysical properties (such as structural, functional, and spatial information, amino acid conservation, physicochemical variation, residue mobility, and thermodynamic stability) performed at Invitae indicates that this missense variant is expected to disrupt ACAT1 protein function with a positive predictive value of 80%. This variant disrupts the p.His397 amino acid residue in ACAT1. Other variant(s) that disrupt this residue have been determined to be pathogenic (PMID: 15128923, 20157782). This suggests that this residue is clinically significant, and that variants that disrupt this residue are likely to be disease-causing. For these reasons, this variant has been classified as Pathogenic.

Literature cited by the submitters: PubMed 15128923; PubMed 20157782.